The following is an entry in ClinVar:

ClinVar aggregate classification (germline): Conflicting classifications of pathogenicity. Review status: criteria provided, conflicting classifications (1 of 4 stars). 2 submissions from 2 submitters: Uncertain significance (1); Likely benign (1). Last evaluated 2025-08-06.

Conditions:
Familial thoracic aortic aneurysm and aortic dissection (TAAD). Also called: Thoracic aortic aneurysms and dissections. Identifiers: Orphanet 91387, MedGen C4707243, MONDO:0019625.
Ehlers-Danlos syndrome, classic type, 1 (EDSCL1). Also called: Ehlers-Danlos syndrome, type 1; Ehlers-Danlos Syndrome, Classic Type, COL5A1-Related; EDS I; EHLERS-DANLOS SYNDROME, GRAVIS TYPE; EHLERS-DANLOS SYNDROME, SEVERE CLASSIC TYPE. Identifiers: MedGen C0268335, MONDO:0019567, OMIM 130000.

Allele frequency attached by ClinVar (database versions not stated): TOPMed 0.00001; gnomAD exomes below 0.00001; gnomAD 0.00001.
gnomAD v4.1: 5 of 1,613,912 alleles (0.00031%); highest among the groups gnomAD compares: East Asian, 0.0045%; no homozygotes.

Submissions (2):

Labcorp Genetics (formerly Invitae), Labcorp
Classification: Likely benign for Ehlers-Danlos syndrome, classic type, 1. Last evaluated: 2025-08-06. Review status: criteria provided, single submitter. Criteria: Invitae Variant Classification Sherloc (09022015). Collection method: clinical testing. Allele origin: germline.

Ambry Genetics
Classification: Uncertain significance for Familial thoracic aortic aneurysm and aortic dissection. Last evaluated: 2025-02-04. Review status: criteria provided, single submitter. Criteria: Ambry Variant Classification Scheme 2023. Collection method: clinical testing. Allele origin: germline.
Comment: The p.I1475T variant (also known as c.4424T>C), located in coding exon 54 of the COL5A2 gene, results from a T to C substitution at nucleotide position 4424. The isoleucine at codon 1475 is replaced by threonine, an amino acid with similar properties. This amino acid position is not well conserved in available vertebrate species. In addition, the in silico prediction for this alteration is inconclusive. Since supporting evidence is limited at this time, the clinical significance of this alteration remains unclear.

NM_000393.5(COL5A2):c.4424T>C (p.Ile1475Thr)

Gene: COL5A2 (collagen type V alpha 2 chain; minus strand). Cytogenetic location: 2q32.2.
Variant type: single nucleotide variant.
Coding change: c.4424T>C on transcript NM_000393.5 (MANE Select); coding-DNA position 4424, T replaced by C.
Protein change: p.Ile1475Thr; replaces isoleucine 1475 with threonine.
Molecular consequence: missense variant.
Genome position (GRCh38, 1-based): chr2:189,034,146, A>G on the plus strand (T>C on the coding strand, the complement: COL5A2 is on the minus strand). VCF-style: chr2-189034146-A-G. GRCh37 (hg19) VCF-style: chr2-189898872-A-G.
Other names: short protein forms I1475T.
Identifiers: ClinVar variation 1740504 (VCV001740504.6), dbSNP rs1033836182, ClinGen allele CA62580373.
Genomic context (GRCh38, chr2:189,034,146, plus strand): 5'-GGCCCAATTTCAACGCCGAATTCCTGGTCTGTGCCGCCAACATCCACAGGAGCAAGATCT[A>G]TGATGGGCAAGCGTGCCACATTCTGTGTTCTATATTCAAAGACAGTCTTGCCCACATTTC-3'
Protein context (NP_000384.2, residues 1465-1485): RTQNVARLPI[Ile1475Thr]DLAPVDVGGT